The following is an entry in ClinVar:

NM_004055.5(CAPN5):c.750G>C (p.Lys250Asn)

Gene: CAPN5 (calpain 5; plus strand). Cytogenetic location: 11q13.5.
Variant type: single nucleotide variant.
Coding change: c.750G>C on transcript NM_004055.5 (MANE Select); coding-DNA position 750, G replaced by C.
Protein change: p.Lys250Asn; replaces lysine 250 with asparagine.
Molecular consequence: missense variant.
Genome position (GRCh38, 1-based): chr11:77,115,445, G>C. VCF-style: chr11-77115445-G-C. GRCh37 (hg19) VCF-style: chr11-76826491-G-C.
Other names: short protein forms K250N.
Identifiers: ClinVar variation 869153 (VCV000869153.1), dbSNP rs1950456995, ClinGen allele CA381938747.

ClinVar aggregate classification (germline): Pathogenic (0 of 4 stars; one submission).

Conditions:
Proliferative vitreoretinopathy. Also called: Vitreoretinopathy, neovascular inflammatory. Identifiers: Orphanet 329211, MedGen C0242852, MONDO:0700115, OMIM 193235.

Submission:

Laboratory Genomica, Gynecology and Assisted Reproduction Hospital Malinov DM
Classification: Pathogenic for Proliferative vitreoretinopathy. Last evaluated: 2020-03-16. Review status: no assertion criteria provided. Collection method: clinical testing. Allele origin: inherited. Inheritance: Autosomal dominant inheritance. Affected: yes. Observed: 1 heterozygote.
Comment: The specific variant CAPN5 NM_004055.5: c.750G> C has not been reported previously in the medical literature, to our knowledge. The variant CAPN5 p.Lys250Asn was not observed in approximately 71,702 individuals of The Genome Aggregation Database (gnomAD), indicating it is not a common benign variant. Another nucleotide substitution of the same position (NM_004055.5: c.750G> T) leading to the same amino acid substitution in the protein (p.Lys250Asn) was observed in the affected members of a large kindred with autosomal dominant inflammatory vitreoretinopathy (Bassuk A et al, 2015). The CAPN5 p.Lys250Asn variant is a non-conservative amino acid substitution, which is likely to impact secondary protein structure as these residues differ in polarity, charge, size and/or other properties. Based on the information currently available, we interpret the CAPN5 variant NM_004055.5: c.750G> C as pathogenic.

Literature cited by the submitters: DOI 10.1371/journal.pone.0122352.